The following is an entry in ClinVar:

ClinVar aggregate classification (germline): Uncertain significance (1 of 4 stars; one submission).

gnomAD v4.1: 5 of 1,612,976 alleles (0.00031%); highest among the groups gnomAD compares: Non-Finnish European, 0.000085%; no homozygotes.

Submission:

Women's Health and Genetics/Laboratory Corporation of America, LabCorp
Classification: Uncertain significance. Last evaluated: 2024-09-18. Review status: criteria provided, single submitter. Criteria: LabCorp Variant Classification Summary - May 2015. Collection method: clinical testing. Allele origin: germline.
Comment: Variant summary: GLI3 c.1001A>G (p.Tyr334Cys) results in a non-conservative amino acid change in the encoded protein sequence. Four of five in-silico tools predict a damaging effect of the variant on protein function. The variant allele was found at a frequency of 8e-06 in 251364 control chromosomes. The available data on variant occurrences in the general population are insufficient to allow any conclusion about variant significance. To our knowledge, no occurrence of c.1001A>G in individuals affected with Greig Cephalopolysyndactyly Syndrome and no experimental evidence demonstrating its impact on protein function have been reported. No submitters have cited clinical-significance assessments for this variant to ClinVar. Based on the evidence outlined above, the variant was classified as uncertain significance.

NM_000168.6(GLI3):c.1001A>G (p.Tyr334Cys)

Gene: GLI3 (GLI family zinc finger 3; minus strand). Cytogenetic location: 7p14.1.
Variant type: single nucleotide variant.
Coding change: c.1001A>G on transcript NM_000168.6 (MANE Select); coding-DNA position 1001, A replaced by G.
Protein change: p.Tyr334Cys; replaces tyrosine 334 with cysteine.
Molecular consequence: missense variant.
Genome position (GRCh38, 1-based): chr7:42,040,065, T>C on the plus strand (A>G on the coding strand, the complement: GLI3 is on the minus strand). VCF-style: chr7-42040065-T-C. GRCh37 (hg19) VCF-style: chr7-42079664-T-C.
Other names: short protein forms Y334C.
Identifiers: ClinVar variation 3375396 (VCV003375396.1).
Genomic context (GRCh38, chr7:42,040,065, plus strand): 5'-AAAAACACATAATGGATTCAGGAAAATACATACCTGATTGCACTTGCAGATAAGTGACCA[T>C]AGGAGCCACTTGCTGAAGAGCTGCTACGGGAATTATTGAGAATCGTGACCAAGGAGTTGG-3'
Protein context (NP_000159.3, residues 324-344): SRSSSSASGS[Tyr334Cys]GHLSASAISP